The following is an entry in ClinVar:

NM_000051.4(ATM):c.1964del (p.Thr655fs)

Gene: ATM (ATM serine/threonine kinase; plus strand). Cytogenetic location: 11q22.3.
Variant type: Deletion.
Coding change: c.1964del on transcript NM_000051.4 (MANE Select); coding-DNA position 1964, one base deleted (C; older notation c.1964delC).
Protein change: p.Thr655fs; shifts the reading frame from threonine 655.
Molecular consequence: frameshift variant.
Genome position (GRCh38, 1-based): chr11:108,253,879, C deleted. VCF-style (leftmost placement, unchanged base first): chr11-108253878-AC-A. GRCh37 (hg19) VCF-style: chr11-108124605-AC-A.
Other names: c.1964del, p.Thr655fs (NM_001351834.2); short protein forms T655fs.
Identifiers: ClinVar variation 4825495 (VCV004825495.1).

ClinVar aggregate classification (germline): Pathogenic (1 of 4 stars; one submission).

Conditions:
Hereditary cancer-predisposing syndrome. Also called: Neoplastic Syndromes, Hereditary; Tumor predisposition; Hereditary Cancer Syndrome; Hereditary neoplastic syndrome. Identifiers: Orphanet 140162, MedGen C0027672, MeSH D009386, MONDO:0015356.

Submission:

Ambry Genetics
Classification: Pathogenic for Hereditary cancer-predisposing syndrome. Last evaluated: 2026-01-26. Review status: criteria provided, single submitter. Criteria: Ambry Variant Classification Scheme 2023. Collection method: clinical testing. Allele origin: germline.
Comment: The c.1964delC pathogenic mutation, located in coding exon 12 of the ATM gene, results from a deletion of one nucleotide at nucleotide position 1964, causing a translational frameshift with a predicted alternate stop codon (p.T655Kfs*9). This variant is considered to be rare based on population cohorts in the Genome Aggregation Database (gnomAD). This alteration is expected to result in loss of function by premature protein truncation or nonsense-mediated mRNA decay. As such, this alteration is interpreted as a disease-causing mutation.